The following is an entry in ClinVar:

NM_002485.5(NBN):c.115C>G (p.Gln39Glu)

Gene: NBN (nibrin; minus strand). Cytogenetic location: 8q21.3.
Variant type: single nucleotide variant.
Coding change: c.115C>G on transcript NM_002485.5 (MANE Select); coding-DNA position 115, C replaced by G.
Protein change: p.Gln39Glu; replaces glutamine 39 with glutamic acid.
Molecular consequence: missense variant. On other transcripts: 5 prime UTR variant (1).
Genome position (GRCh38, 1-based): chr8:89,982,778, G>C on the plus strand (C>G on the coding strand, the complement: NBN is on the minus strand). VCF-style: chr8-89982778-G-C. GRCh37 (hg19) VCF-style: chr8-90995006-G-C.
Other names: c.-182C>G (NM_001024688.3); short protein forms Q39E.
Identifiers: ClinVar variation 141275 (VCV000141275.26), dbSNP rs377730553, ClinGen allele CA164970.
Genomic context (GRCh38, chr8:89,982,778, plus strand): 5'-ATACCAGGTTGGTTACAGAAAAGTTAGCAGTTAACACAGCATGATTTCGGCTGATCGACT[G>C]ATCATTTTCAATCAGAATGGCACAGTTTTTCCTTCCAACAACGTACTCAACGCCAGTCAA-3'
Protein context (NP_002476.2, residues 29-49): KNCAILIEND[Gln39Glu]SISRNHAVLT

ClinVar aggregate classification (germline): Uncertain significance. Review status: criteria provided, multiple submitters, no conflicts (2 of 4 stars). 4 submissions from 4 submitters: Uncertain significance (3). 1 of the submissions does not count toward it. Last evaluated 2024-12-17.

Conditions:
Hereditary cancer-predisposing syndrome. Also called: Neoplastic Syndromes, Hereditary; Hereditary Cancer Syndrome; Hereditary neoplastic syndrome; Tumor predisposition. Identifiers: Orphanet 140162, MedGen C0027672, MeSH D009386, MONDO:0015356.
Microcephaly, normal intelligence and immunodeficiency (NBS). Also called: Immunodeficiency, microcephaly with normal intelligence; SEEMANOVA SYNDROME II; Nijmegen breakage syndrome; Microcephaly with normal intelligence immunodeficiency and lymphoreticular malignancies; Nonsyndromal microcephaly autosomal recessive with normal intelligence; Seemanova syndrome 2. Identifiers: Orphanet 647, MedGen C0398791, MONDO:0009623, OMIM 251260.

Allele frequency attached by ClinVar (database versions not stated): TOPMed 0.00001.
gnomAD v4.1: 3 of 1,613,736 alleles (0.00019%); highest among the groups gnomAD compares: African/African-American, 0.0027%; no homozygotes.

Submissions (4):

Ambry Genetics
Classification: Uncertain significance for Hereditary cancer-predisposing syndrome. Last evaluated: 2024-12-17. Review status: criteria provided, single submitter. Criteria: Ambry Variant Classification Scheme 2023. Collection method: clinical testing. Allele origin: germline.
Comment: The p.Q39E variant (also known as c.115C>G), located in coding exon 2 of the NBN gene, results from a C to G substitution at nucleotide position 115. The glutamine at codon 39 is replaced by glutamic acid, an amino acid with highly similar properties. This amino acid position is not well conserved in available vertebrate species. In addition, this alteration is predicted to be tolerated by in silico analysis. Based on the available evidence, the clinical significance of this variant remains unclear.

Labcorp Genetics (formerly Invitae), Labcorp
Classification: Uncertain significance for Microcephaly, normal intelligence and immunodeficiency. Last evaluated: 2023-07-25. Review status: criteria provided, single submitter. Criteria: Invitae Variant Classification Sherloc (09022015). Collection method: clinical testing. Allele origin: germline.
Comment: This variant is not present in population databases (gnomAD no frequency). In summary, the available evidence is currently insufficient to determine the role of this variant in disease. Therefore, it has been classified as a Variant of Uncertain Significance. An algorithm developed to predict the effect of missense changes on protein structure and function (PolyPhen-2) suggests that this variant is likely to be disruptive. ClinVar contains an entry for this variant (Variation ID: 141275). This variant has not been reported in the literature in individuals affected with NBN-related conditions. This sequence change replaces glutamine, which is neutral and polar, with glutamic acid, which is acidic and polar, at codon 39 of the NBN protein (p.Gln39Glu).

Genome-Nilou Lab
Classification: Uncertain significance for Microcephaly, normal intelligence and immunodeficiency. Last evaluated: 2021-11-07. Review status: criteria provided, single submitter. Criteria: ACMG Guidelines, 2015. Collection method: clinical testing. Allele origin: germline. Affected: no.

Natera, Inc.
Classification: Uncertain significance for Nijmegen breakage syndrome. Last evaluated: 2020-02-28. Review status: no assertion criteria provided. Collection method: clinical testing. Allele origin: germline. Not counted in ClinVar's aggregate classification.